The following is an entry in ClinVar:

ClinVar aggregate classification (germline): Pathogenic/Likely pathogenic. Review status: criteria provided, multiple submitters, no conflicts (2 of 4 stars). 4 submissions from 4 submitters: Pathogenic (3); Likely pathogenic (1). Last evaluated 2024-09-02.

Conditions:
Retinitis pigmentosa 20 (RP20). Identifiers: Orphanet 791, MedGen C3151086, MONDO:0013425, OMIM 613794.
Leber congenital amaurosis 2 (LCA2). Also called: Autosomal Recessive RPE65-Related Retinal Degeneration; AMAUROSIS CONGENITA OF LEBER II. Identifiers: Orphanet 65, MedGen C1859844, MONDO:0008765, OMIM 204100. Disease mechanism: loss of function.
Retinitis pigmentosa 87 with choroidal involvement. Identifiers: MedGen C5231465, MONDO:0032873, OMIM 618697.

Submissions (4):

3billion
Classification: Pathogenic for Leber congenital amaurosis 2. Last evaluated: 2024-09-02. Review status: criteria provided, single submitter. Criteria: ACMG Guidelines, 2015. Collection method: clinical testing. Allele origin: germline. Affected: yes.
Comment: The variant is observed at an extremely low frequency in the gnomAD v4.1.0 dataset (total allele frequency: <0.001%). Predicted Consequence/Location: Frameshift: predicted to result in a loss or disruption of normal protein function through nonsense-mediated decay (NMD) or protein truncation. Multiple pathogenic variants are reported downstream of the variant. The variant has been reported at least twice as pathogenic without evidence for the classification (ClinVar ID: VCV001070055 /PMID: 31736247). Therefore, this variant is classified as Pathogenic according to the recommendation of ACMG/AMP guideline.

Fulgent Genetics
Classification: Likely pathogenic for Leber congenital amaurosis 2; Retinitis pigmentosa 20; Retinitis pigmentosa 87 with choroidal involvement. Last evaluated: 2024-02-14. Review status: criteria provided, single submitter. Criteria: ACMG Guidelines, 2015. Collection method: clinical testing. Allele origin: germline.

Baylor Genetics
Classification: Pathogenic for Leber congenital amaurosis 2. Last evaluated: 2023-06-18. Review status: criteria provided, single submitter. Criteria: ACMG Guidelines, 2015. Collection method: clinical testing. Allele origin: unknown.

Labcorp Genetics (formerly Invitae), Labcorp
Classification: Pathogenic for Leber congenital amaurosis 2; Retinitis pigmentosa 20. Last evaluated: 2021-07-26. Review status: criteria provided, single submitter. Criteria: Invitae Variant Classification Sherloc (09022015). Collection method: clinical testing. Allele origin: germline.
Comment: For these reasons, this variant has been classified as Pathogenic. ClinVar contains an entry for this variant (Variation ID: 1070055). This premature translational stop signal has been observed in individual(s) with retinal dystrophy (PMID: 31736247). This variant is present in population databases (rs758550330, ExAC 0.009%). This sequence change creates a premature translational stop signal (p.Glu21Asnfs*10) in the RPE65 gene. It is expected to result in an absent or disrupted protein product. Loss-of-function variants in RPE65 are known to be pathogenic (PMID: 9326941, 9501220, 9843205, 18632300).

Literature cited by the submitters: PubMed 31736247 (cited by 3billion and Labcorp Genetics (formerly Invitae), Labcorp); PubMed 9326941 (cited by Labcorp Genetics (formerly Invitae), Labcorp); PubMed 9501220 (cited by Labcorp Genetics (formerly Invitae), Labcorp); PubMed 9843205 (cited by Labcorp Genetics (formerly Invitae), Labcorp); PubMed 18632300 (cited by Labcorp Genetics (formerly Invitae), Labcorp).

NM_000329.3(RPE65):c.61del (p.Glu21fs)

Gene: RPE65 (retinoid isomerohydrolase RPE65; minus strand). Cytogenetic location: 1p31.3.
Variant type: Deletion.
Coding change: c.61del on transcript NM_000329.3 (MANE Select); coding-DNA position 61, one base deleted (G; older notation c.61delG).
Protein change: p.Glu21fs; shifts the reading frame from glutamic acid 21.
Molecular consequence: frameshift variant.
Genome position (GRCh38, 1-based): chr1:68,448,657, C deleted on the plus strand (G on the coding strand, the reverse complement: RPE65 is on the minus strand); the first of 2 consecutive C bases (chr1:68,448,657-68,448,658); deleting either gives the same sequence. VCF-style (leftmost placement, unchanged base first): chr1-68448656-TC-T. GRCh37 (hg19) VCF-style: chr1-68914339-TC-T.
Other names: short protein forms E21fs.
Identifiers: ClinVar variation 1070055 (VCV001070055.10), dbSNP rs758550330, ClinGen allele CA902630.